The following is an entry in ClinVar:

NM_000478.6(ALPL):c.928_929del (p.Ser310fs)

Gene: ALPL (alkaline phosphatase, biomineralization associated; plus strand). Cytogenetic location: 1p36.12.
Variant type: Microsatellite.
Coding change: c.928_929del on transcript NM_000478.6 (MANE Select); coding-DNA positions 928 to 929, 2 bases deleted (TC; older notation c.928_929delTC).
Protein change: p.Ser310fs; shifts the reading frame from serine 310.
Molecular consequence: frameshift variant.
Genome position (GRCh38, 1-based): chr1:21,573,730-21,573,731, TC deleted; deleting any 2 consecutive bases within chr1:21,573,727-21,573,731 gives the same sequence; the c. name uses the placement nearest the transcript's 3' end. VCF-style (leftmost placement, unchanged base first): chr1-21573726-ACT-A. GRCh37 (hg19) VCF-style: chr1-21900219-ACT-A.
Other names: c.763_764del, p.Ser255fs (NM_001127501.4); c.697_698del, p.Ser233fs (NM_001177520.3); c.928_929del, p.Ser310fs (NM_001369803.2, NM_001369804.2, NM_001369805.2); short protein forms S233fs, S255fs, S310fs.
Identifiers: ClinVar variation 370704 (VCV000370704.13), dbSNP rs1057516702, ClinGen allele CA16040719.
Genomic context (GRCh38, chr1:21,573,726, plus strand): 5'-TCTCTTCGAGCCAGGGGACATGCAGTACGAGCTGAACAGGAACAACGTGACGGACCCGTC[ACT>A]CTCCGAGATGGTGGTGGTGGCCATCCAGATCCTGCGGAAGAACCCCAAAGGCTTCTTCTT-3'

ClinVar aggregate classification (germline): Pathogenic. Review status: criteria provided, multiple submitters, no conflicts (2 of 4 stars). 4 submissions from 4 submitters: Pathogenic (3). 1 of the submissions does not count toward it. Last evaluated 2025-08-29.

Conditions:
Adult hypophosphatasia. Identifiers: Orphanet 247676, Orphanet 436, MedGen C0268413, MONDO:1010154, OMIM 146300, MONDO:0007798.
Hypophosphatasia. Also called: Phosphoethanol-aminuria. Identifiers: Orphanet 436, MedGen C0020630, MeSH D007014, MONDO:0018570.
Infantile hypophosphatasia. Identifiers: Orphanet 247651, Orphanet 436, MedGen C0268412, MONDO:1010169, OMIM 241500, MONDO:0009427.

Submissions (4):

Genomenon, Inc
Classification: Pathogenic for Hypophosphatasia. Last evaluated: 2025-08-29. Review status: criteria provided, single submitter. Criteria: Genomenon Sequence Variant Interpretation Standards. Collection method: curation. Allele origin: germline. Affected: yes.
Comment: ALPL p.Ser310ArgfsTer27 (c.928_929del) is a frameshift variant that results in the production of a truncated protein which is predicted to undergo nonsense-mediated mRNA decay. This variant has been observed in at least one proband affected with hypophosphatasia (PMID:36361766;15694177). It is absent or not present at a significant frequency in gnomAD. In conclusion, we classify ALPL p.Ser310ArgfsTer27 (c.928_929del) as a pathogenic variant.

Labcorp Genetics (formerly Invitae), Labcorp
Classification: Pathogenic. Last evaluated: 2024-03-16. Review status: criteria provided, single submitter. Criteria: Invitae Variant Classification Sherloc (09022015). Collection method: clinical testing. Allele origin: germline.
Comment: This sequence change creates a premature translational stop signal (p.Ser310Argfs*27) in the ALPL gene. It is expected to result in an absent or disrupted protein product. Loss-of-function variants in ALPL are known to be pathogenic (PMID: 3174660, 10679946, 32973344, 33814268). This variant is not present in population databases (gnomAD no frequency). This premature translational stop signal has been observed in individual(s) with hypophosphatasia (PMID: 15694177). For these reasons, this variant has been classified as Pathogenic.

Baylor Genetics
Classification: Pathogenic for Adult hypophosphatasia. Last evaluated: 2023-03-27. Review status: criteria provided, single submitter. Criteria: ACMG Guidelines, 2015. Collection method: clinical testing. Allele origin: unknown.

Counsyl
Classification: Likely pathogenic for Infantile hypophosphatasia. Last evaluated: 2016-03-24. Review status: no assertion criteria provided. Collection method: clinical testing. Allele origin: unknown. Not counted in ClinVar's aggregate classification.

Literature cited by the submitters: PubMed 36361766 (cited by Genomenon, Inc); PubMed 15694177 (cited by 3 submitters); PubMed 3174660 (cited by Labcorp Genetics (formerly Invitae), Labcorp); PubMed 10679946 (cited by Labcorp Genetics (formerly Invitae), Labcorp); PubMed 32973344 (cited by Labcorp Genetics (formerly Invitae), Labcorp); PubMed 33814268 (cited by Labcorp Genetics (formerly Invitae), Labcorp).